The following is an entry in ClinVar:

ClinVar aggregate classification (germline): Uncertain significance (1 of 4 stars; one submission).

Submission:

GeneDx
Classification: Uncertain significance. Last evaluated: 2023-05-10. Review status: criteria provided, single submitter. Criteria: GeneDx Variant Classification Process June 2021. Collection method: clinical testing. Allele origin: germline. Affected: yes.
Comment: Not observed at significant frequency in large population cohorts (gnomAD); In silico analysis supports that this missense variant has a deleterious effect on protein structure/function; Has not been previously published as pathogenic or benign to our knowledge

NM_001009944.3(PKD1):c.8821T>A (p.Tyr2941Asn)

Gene: PKD1 (polycystin 1, transient receptor potential channel interacting; minus strand). Cytogenetic location: 16p13.3.
Variant type: single nucleotide variant.
Coding change: c.8821T>A on transcript NM_001009944.3 (MANE Select); coding-DNA position 8821, T replaced by A.
Protein change: p.Tyr2941Asn; replaces tyrosine 2941 with asparagine.
Molecular consequence: missense variant.
Genome position (GRCh38, 1-based): chr16:2,102,941, A>T on the plus strand (T>A on the coding strand, the complement: PKD1 is on the minus strand). VCF-style: chr16-2102941-A-T. GRCh37 (hg19) VCF-style: chr16-2152942-A-T.
Other names: c.8821T>A, p.Tyr2941Asn (NM_000296.4); short protein forms Y2941N.
Identifiers: ClinVar variation 2502131 (VCV002502131.1), dbSNP rs2544737896, ClinGen allele CA394361787.